The following is an entry in ClinVar:

ClinVar aggregate classification (germline): Pathogenic (0 of 4 stars; one submission).

Conditions:
Polycystic kidney disease. Also called: Polycystic kidney dysplasia; Kidney, Polycystic. Identifiers: MedGen C0022680, MeSH D007690, MONDO:0020642, HP:0000113.

Submission:

Department of Pathology and Laboratory Medicine, Sinai Health System
Classification: Pathogenic for Polycystic Kidney disease. Review status: no assertion criteria provided. Collection method: clinical testing. Allele origin: unknown. Affected: yes. Study: The Canadian Open Genetics Repository (COGR).
Comment: The PKD1 p.Leu2946Tyrfs*48 variant was not identified in the literature nor was it identified in the dbSNP, ClinVar, LOVD 3.0, ADPKD Mutation Database or PKD1-LOVD databases. It was also not identified in the following control databases: the Exome Aggregation Consortium (August 8th 2016) or the Genome Aggregation Database (Feb 27, 2017). The c.8836del variant is predicted to cause a frameshift, which alters the protein amino acid sequence beginning at codon 2946 and leads to a premature stop codon 48 codons downstream. This alteration is then predicted to result in a truncated or absent protein and loss of function. Loss of function variants of the PKD1 gene are an established mechanism of disease in autosomal dominant polycystic kidney disease and is the type of variant expected to cause the disorder. In summary, based on the above information, this variant meets our laboratoryâ€šÃ„Ã´s criteria to be classified as pathogenic.

NM_001009944.3(PKD1):c.8836del (p.Leu2946fs)

Gene: PKD1 (polycystin 1, transient receptor potential channel interacting; minus strand). Cytogenetic location: 16p13.3.
Variant type: Deletion.
Coding change: c.8836del on transcript NM_001009944.3 (MANE Select); coding-DNA position 8836, one base deleted (C; older notation c.8836delC).
Protein change: p.Leu2946fs; shifts the reading frame from leucine 2946.
Molecular consequence: frameshift variant.
Genome position (GRCh38, 1-based): chr16:2,102,926, G deleted on the plus strand (C on the coding strand, the reverse complement: PKD1 is on the minus strand); the first of 2 consecutive G bases (chr16:2,102,926-2,102,927); deleting either gives the same sequence. VCF-style (leftmost placement, unchanged base first): chr16-2102925-AG-A. GRCh37 (hg19) VCF-style: chr16-2152926-AG-A.
Other names: c.8836del, p.Leu2946fs (NM_000296.4); short protein forms L2946fs.
Identifiers: ClinVar variation 997177 (VCV000997177.1), dbSNP rs2092156841, ClinGen allele CA2202019296.